The following is an entry in ClinVar:

ClinVar aggregate classification (germline): Uncertain significance (1 of 4 stars; one submission).

Allele frequency attached by ClinVar (database versions not stated): TOPMed below 0.00001.

Submission:

Labcorp Genetics (formerly Invitae), Labcorp
Classification: Uncertain significance. Last evaluated: 2022-12-04. Review status: criteria provided, single submitter. Criteria: Invitae Variant Classification Sherloc (09022015). Collection method: clinical testing. Allele origin: germline.
Comment: In summary, the available evidence is currently insufficient to determine the role of this variant in disease. Therefore, it has been classified as a Variant of Uncertain Significance. Algorithms developed to predict the effect of missense changes on protein structure and function are either unavailable or do not agree on the potential impact of this missense change (SIFT: "Deleterious"; PolyPhen-2: "Possibly Damaging"; Align-GVGD: "Class C0"). This variant has not been reported in the literature in individuals affected with SHPK-related conditions. This variant is not present in population databases (gnomAD no frequency). This sequence change replaces leucine, which is neutral and non-polar, with valine, which is neutral and non-polar, at codon 395 of the SHPK protein (p.Leu395Val).

NM_013276.4(SHPK):c.1183C>G (p.Leu395Val)

Gene: SHPK (sedoheptulokinase; minus strand). Cytogenetic location: 17p13.2.
Variant type: single nucleotide variant.
Coding change: c.1183C>G on transcript NM_013276.4 (MANE Select); coding-DNA position 1183, C replaced by G.
Protein change: p.Leu395Val; replaces leucine 395 with valine.
Molecular consequence: missense variant.
Genome position (GRCh38, 1-based): chr17:3,610,814, G>C on the plus strand (C>G on the coding strand, the complement: SHPK is on the minus strand). VCF-style: chr17-3610814-G-C. GRCh37 (hg19) VCF-style: chr17-3514108-G-C.
Other names: short protein forms L395V.
Identifiers: ClinVar variation 2801464 (VCV002801464.3), dbSNP rs1479701998, ClinGen allele CA397698355.
Genomic context (GRCh38, chr17:3,610,814, plus strand): 5'-GAAGCATGGAGTGCAGGTTCTGAACAATGCCTCGGCACAGAGCCCGGGTCACGTGCCCCA[G>C]GGAGAGGTCGGAGGAGGAGATTCTGGTCACTGAGGCCAGCTGGTCCGGCAGGTGCCTCTC-3'
Protein context (NP_037408.2, residues 385-405): VTRISSSDLS[Leu395Val]GHVTRALCRG